The following is an entry in ClinVar:

ClinVar aggregate classification (germline): Pathogenic (1 of 4 stars; one submission).

Submission:

Labcorp Genetics (formerly Invitae), Labcorp
Classification: Pathogenic. Last evaluated: 2025-07-13. Review status: criteria provided, single submitter. Criteria: Invitae Variant Classification Sherloc (09022015). Collection method: clinical testing. Allele origin: germline.
Comment: This sequence change creates a premature translational stop signal (p.Ser123Leufs*10) in the CPLANE1 gene. It is expected to result in an absent or disrupted protein product. Loss-of-function variants in CPLANE1 are known to be pathogenic (PMID: 24178751, 26092869). This variant is not present in population databases (gnomAD no frequency). This variant has not been reported in the literature in individuals affected with CPLANE1-related conditions. For these reasons, this variant has been classified as Pathogenic.

Literature cited by the submitters: PubMed 24178751; PubMed 26092869.

NM_001384732.1(CPLANE1):c.366del (p.Ser123fs)

Gene: CPLANE1 (ciliogenesis and planar polarity effector complex subunit 1; minus strand). Cytogenetic location: 5p13.2.
Variant type: Deletion.
Coding change: c.366del on transcript NM_001384732.1 (MANE Select); coding-DNA position 366, one base deleted (A; older notation c.366delA).
Protein change: p.Ser123fs; shifts the reading frame from serine 123.
Molecular consequence: frameshift variant.
Genome position (GRCh38, 1-based): chr5:37,244,579, T deleted on the plus strand (A on the coding strand, the reverse complement: CPLANE1 is on the minus strand). VCF-style (leftmost placement, unchanged base first): chr5-37244578-AT-A. GRCh37 (hg19) VCF-style: chr5-37244680-AT-A.
Other names: c.366del, p.Ser123fs (NM_023073.4); short protein forms S123fs.
Identifiers: ClinVar variation 4737912 (VCV004737912.1).
Genomic context (GRCh38, chr5:37,244,578, plus strand): 5'-ATTCCCAAAGAAATATGCATCCAGAAGGTGTTATGAGCACAATTCTTTTCCCATTTCCAG[AT>A]ACATACAAGTACAGTCTCAAAGAGCTTGCTAAAAAAGTAACAAAAAAAGTAATTAAGCCT-3'